The following is an entry in ClinVar:

ClinVar aggregate classification (germline): Pathogenic (1 of 4 stars; one submission).

Conditions:
Long QT syndrome (LQTS). Identifiers: MedGen C0023976, MeSH D008133, MONDO:0002442. Disease mechanism: loss of function. Inheritance: Various modes of inheritance.

Submission:

Labcorp Genetics (formerly Invitae), Labcorp
Classification: Pathogenic for Long QT syndrome. Last evaluated: 2024-04-15. Review status: criteria provided, single submitter. Criteria: Invitae Variant Classification Sherloc (09022015). Collection method: clinical testing. Allele origin: germline.
Comment: This sequence change creates a premature translational stop signal (p.Leu155Argfs*11) in the KCNH2 gene. It is expected to result in an absent or disrupted protein product. Loss-of-function variants in KCNH2 are known to be pathogenic (PMID: 10973849, 19862833). This variant is not present in population databases (gnomAD no frequency). This variant has not been reported in the literature in individuals affected with KCNH2-related conditions. ClinVar contains an entry for this variant (Variation ID: 1453664). For these reasons, this variant has been classified as Pathogenic.

Literature cited by the submitters: PubMed 10973849; PubMed 19862833.

NM_000238.4(KCNH2):c.464del (p.Leu155fs)

Gene: KCNH2 (potassium voltage-gated channel subfamily H member 2; minus strand). Cytogenetic location: 7q36.1.
Variant type: Deletion.
Coding change: c.464del on transcript NM_000238.4 (MANE Select); coding-DNA position 464, one base deleted (T; older notation c.464delT).
Protein change: p.Leu155fs; shifts the reading frame from leucine 155.
Molecular consequence: frameshift variant.
Genome position (GRCh38, 1-based): chr7:150,959,580, A deleted on the plus strand (T on the coding strand, the reverse complement: KCNH2 is on the minus strand). VCF-style (leftmost placement, unchanged base first): chr7-150959579-CA-C. GRCh37 (hg19) VCF-style: chr7-150656667-CA-C.
Other names: c.176delT, p.Leu59Argfs (NM_001406753.1, NM_001406756.1); c.287delT, p.Leu96Argfs (NM_001406755.1); c.164delT, p.Leu55Argfs (NM_001406757.1); c.464delT, p.Leu155Argfs (NM_172056.3); short protein forms L155fs.
Identifiers: ClinVar variation 1453664 (VCV001453664.7), dbSNP rs2117011246, ClinGen allele CA2573141823.